The following is an entry in ClinVar:

NM_000088.4(COL1A1):c.3650G>C (p.Arg1217Pro)

Gene: COL1A1 (collagen type I alpha 1 chain; minus strand). Cytogenetic location: 17q21.33.
Variant type: single nucleotide variant.
Coding change: c.3650G>C on transcript NM_000088.4 (MANE Select); coding-DNA position 3650, G replaced by C.
Protein change: p.Arg1217Pro; replaces arginine 1217 with proline.
Molecular consequence: missense variant.
Genome position (GRCh38, 1-based): chr17:50,186,804, C>G on the plus strand (G>C on the coding strand, the complement: COL1A1 is on the minus strand). VCF-style: chr17-50186804-C-G. GRCh37 (hg19) VCF-style: chr17-48264165-C-G.
Other names: short protein forms R1217P.
Identifiers: ClinVar variation 930782 (VCV000930782.3), dbSNP rs762805085, ClinGen allele CA8644382.

ClinVar aggregate classification (germline): Uncertain significance (1 of 4 stars; one submission).

Conditions:
Osteogenesis imperfecta with normal sclerae, dominant form (OI4). Also called: OSTEOGENESIS IMPERFECTA, TYPE IV, WITH DENTINOGENESIS IMPERFECTA; Osteogenesis imperfecta type 4; OSTEOGENESIS IMPERFECTA WITH NORMAL SCLERAE; Osteogenesis Imperfecta Type IV; Common Variable Osteogenesis Imperfecta with Normal Sclerae. Identifiers: Orphanet 216820, Orphanet 666, MedGen C0268363, MONDO:0008148, OMIM 166220.

gnomAD v4.1: 3 of 1,614,138 alleles (0.00019%); highest among the groups gnomAD compares: Non-Finnish European, 0.00025%; no homozygotes.

Submission:

Centre for Mendelian Genomics, University Medical Centre Ljubljana
Classification: Uncertain significance for Osteogenesis imperfecta with normal sclerae, dominant form. Last evaluated: 2020-01-20. Review status: criteria provided, single submitter. Criteria: ACMG Guidelines, 2015. Collection method: clinical testing. Allele origin: unknown. Affected: yes.
Comment: This variant was classified as: Uncertain significance. The available evidence favors the pathogenic nature of this variant, however the currently available data is insufficient to conclusively support its pathogenic nature. Thus this variant is classified as Uncertain significance - favor pathogenic. The following ACMG criteria were applied in classifying this variant: PP2,PP3.